The following is an entry in ClinVar:

NM_001110556.2(FLNA):c.5962G>C (p.Val1988Leu)

Gene: FLNA (filamin A; minus strand). Cytogenetic location: Xq28.
Variant type: single nucleotide variant.
Coding change: c.5962G>C on transcript NM_001110556.2 (MANE Select); coding-DNA position 5962, G replaced by C.
Protein change: p.Val1988Leu; replaces valine 1988 with leucine.
Molecular consequence: missense variant.
Genome position (GRCh38, 1-based): chrX:154,353,356, C>G on the plus strand (G>C on the coding strand, the complement: FLNA is on the minus strand). VCF-style: chrX-154353356-C-G. GRCh37 (hg19) VCF-style: chrX-153581724-C-G.
Other names: c.5938G>C, p.Val1980Leu (NM_001456.4); short protein forms V1980L, V1988L.
Identifiers: ClinVar variation 3753976 (VCV003753976.2).
Genomic context (GRCh38, chrX:154,353,356, plus strand): 5'-CCACGTGGCCATTACGCAGCCGCTTCAGCAAACAGGGCTCCTCCCGGCCCGAGGGCGGGA[C>G]CACAGTGGCCGTCAGCAGGCTGAGATCCGTCTCTGAGATGTTGATGGGGATGTCGGCAGC-3'
Protein context (NP_001104026.1, residues 1978-1998): TDLSLLTATV[Val1988Leu]PPSGREEPCL

ClinVar aggregate classification (germline): Uncertain significance (1 of 4 stars; one submission).

Conditions:
Melnick-Needles syndrome (MNS). Also called: MELNICK-NEEDLES OSTEODYSPLASTY; OSTEODYSPLASTY OF MELNICK AND NEEDLES; Melnick-Needles Syndrome (FLNA-MNS). Identifiers: Orphanet 2484, MedGen C0025237, MONDO:0010650, OMIM 309350.
Frontometaphyseal dysplasia (FMD1). Identifiers: Orphanet 1826, MedGen C0265293, MONDO:0015942.
Heterotopia, periventricular, X-linked dominant (PVNH1). Also called: PERIVENTRICULAR NODULAR HETEROTOPIA 1; X-linked periventricular heterotopia; PERIVENTRICULAR NODULAR HETEROTOPIA 4; HETEROTOPIA, PERIVENTRICULAR, 1. Identifiers: Orphanet 2149, Orphanet 82004, MedGen C1848213, MONDO:0010233, OMIM 300049.
Oto-palato-digital syndrome, type II (OPD2). Also called: FACIOPALATOOSSEOUS SYNDROME; OPD II SYNDROME; Otopalatodigital Syndrome, Type II; Otopalatodigital Syndrome Type 2 (FLNA-OPD2). Identifiers: Orphanet 669, Orphanet 90652, MedGen C1844696, MONDO:0010571, OMIM 304120.

Submission:

Labcorp Genetics (formerly Invitae), Labcorp
Classification: Uncertain significance for Oto-palato-digital syndrome, type II; Heterotopia, periventricular, X-linked dominant; Frontometaphyseal dysplasia; Melnick-Needles syndrome. Last evaluated: 2024-02-09. Review status: criteria provided, single submitter. Criteria: Invitae Variant Classification Sherloc (09022015). Collection method: clinical testing. Allele origin: germline.
Comment: This sequence change replaces valine, which is neutral and non-polar, with leucine, which is neutral and non-polar, at codon 1980 of the FLNA protein (p.Val1980Leu). This variant is not present in population databases (gnomAD no frequency). This variant has not been reported in the literature in individuals affected with FLNA-related conditions. Advanced modeling of protein sequence and biophysical properties (such as structural, functional, and spatial information, amino acid conservation, physicochemical variation, residue mobility, and thermodynamic stability) performed at Invitae indicates that this missense variant is not expected to disrupt FLNA protein function with a negative predictive value of 95%. In summary, the available evidence is currently insufficient to determine the role of this variant in disease. Therefore, it has been classified as a Variant of Uncertain Significance.